The following is an entry in ClinVar:

NM_001130438.3(SPTAN1):c.4586T>C (p.Val1529Ala)

Gene: SPTAN1 (spectrin alpha, non-erythrocytic 1; plus strand). Cytogenetic location: 9q34.11.
Variant type: single nucleotide variant.
Coding change: c.4586T>C on transcript NM_001130438.3 (MANE Select); coding-DNA position 4586, T replaced by C.
Protein change: p.Val1529Ala; replaces valine 1529 with alanine.
Molecular consequence: missense variant.
Genome position (GRCh38, 1-based): chr9:128,608,968, T>C. VCF-style: chr9-128608968-T-C. GRCh37 (hg19) VCF-style: chr9-131371247-T-C.
Other names: c.4526T>C, p.Val1509Ala (NM_001195532.2, NM_001363765.2, NM_001375314.2 and 3 more transcripts); c.4586T>C, p.Val1529Ala (NM_001363759.2, NM_001375310.1, NM_001375311.2 and 4 more transcripts); c.4622T>C, p.Val1541Ala (NM_001375312.2, NM_001375318.1, NM_001438440.1); short protein forms V1509A, V1529A, V1541A.
Identifiers: ClinVar variation 4801852 (VCV004801852.1).

ClinVar aggregate classification (germline): Uncertain significance (1 of 4 stars; one submission).

Conditions:
Early-infantile DEE. Also called: Early infantile epileptic encephalopathy; Early infantile epileptic encephalopathy with suppression bursts; Ohtahara syndrome. Identifiers: Orphanet 1934, MedGen C0393706, MONDO:0800491.

Submission:

Labcorp Genetics (formerly Invitae), Labcorp
Classification: Uncertain significance for Early-infantile DEE. Last evaluated: 2025-10-20. Review status: criteria provided, single submitter. Criteria: Invitae Variant Classification Sherloc (09022015). Collection method: clinical testing. Allele origin: germline.
Comment: This sequence change replaces valine, which is neutral and non-polar, with alanine, which is neutral and non-polar, at codon 1529 of the SPTAN1 protein (p.Val1529Ala). This variant is not present in population databases (gnomAD no frequency). This variant has not been reported in the literature in individuals affected with SPTAN1-related conditions. Invitae Evidence Modeling of protein sequence and biophysical properties (such as structural, functional, and spatial information, amino acid conservation, physicochemical variation, residue mobility, and thermodynamic stability) has been performed for this missense variant. However, the output from this modeling did not meet the statistical confidence thresholds required to predict the impact of this variant on SPTAN1 protein function. In summary, the available evidence is currently insufficient to determine the role of this variant in disease. Therefore, it has been classified as a Variant of Uncertain Significance.